The following is an entry in ClinVar:

ClinVar aggregate classification (germline): Uncertain significance (1 of 4 stars; one submission).

Conditions:
Hereditary cancer-predisposing syndrome. Also called: Hereditary Cancer Syndrome; Hereditary neoplastic syndrome; Neoplastic Syndromes, Hereditary; Tumor predisposition. Identifiers: Orphanet 140162, MedGen C0027672, MeSH D009386, MONDO:0015356.

Submission:

Ambry Genetics
Classification: Uncertain significance for Hereditary cancer-predisposing syndrome. Last evaluated: 2025-05-17. Review status: criteria provided, single submitter. Criteria: Ambry Variant Classification Scheme 2023. Collection method: clinical testing. Allele origin: germline.
Comment: The p.C1502R variant (also known as c.4504T>C), located in coding exon 15 of the APC gene, results from a T to C substitution at nucleotide position 4504. The cysteine at codon 1502 is replaced by arginine, an amino acid with highly dissimilar properties. This amino acid position is conserved. In addition, in silico predictors for this gene do not accurately predict pathogenicity. Based on the available evidence, the clinical significance of this variant remains unclear.

NM_000038.6(APC):c.4504T>C (p.Cys1502Arg)

Gene: APC (APC regulator of Wnt signaling pathway; plus strand). Cytogenetic location: 5q22.2.
Variant type: single nucleotide variant.
Coding change: c.4504T>C on transcript NM_000038.6 (MANE Select); coding-DNA position 4504, T replaced by C.
Protein change: p.Cys1502Arg; replaces cysteine 1502 with arginine.
Molecular consequence: missense variant. On other transcripts: non-coding transcript variant (2).
Genome position (GRCh38, 1-based): chr5:112,840,098, T>C. VCF-style: chr5-112840098-T-C. GRCh37 (hg19) VCF-style: chr5-112175795-T-C.
Other names: c.4504T>C, p.Cys1502Arg (NM_001127510.3, NM_001354895.2, NM_001407450.1); c.4450T>C, p.Cys1484Arg (NM_001127511.3); c.4558T>C, p.Cys1520Arg (NM_001354896.2, NM_001407447.1, NM_001407448.1 and 1 more transcripts); c.4534T>C, p.Cys1512Arg (NM_001354897.2); c.4429T>C, p.Cys1477Arg (NM_001354898.2); c.4420T>C, p.Cys1474Arg (NM_001354899.2); c.4381T>C, p.Cys1461Arg (NM_001354900.2); c.4327T>C, p.Cys1443Arg (NM_001354901.2, NM_001407453.1); and 11 more; short protein forms C1376R, C1401R, C1461R, C1474R, C1495R, C1502R, C1342R, C1443R.
Identifiers: ClinVar variation 3929468 (VCV003929468.1).
Genomic context (GRCh38, chr5:112,840,098, plus strand): 5'-CTTCCAGATGCTGATACTTTATTACATTTTGCCACGGAAAGTACTCCAGATGGATTTTCT[T>C]GTTCATCCAGCCTGAGTGCTCTGAGCCTCGATGAGCCATTTATACAGAAAGATGTGGAAT-3'
Protein context (NP_000029.2, residues 1492-1512): ATESTPDGFS[Cys1502Arg]SSSLSALSLD